The following is an entry in ClinVar:

NM_024570.4(RNASEH2B):c.614A>G (p.Glu205Gly)

Gene: RNASEH2B (ribonuclease H2 subunit B; plus strand). Cytogenetic location: 13q14.3.
Variant type: single nucleotide variant.
Coding change: c.614A>G on transcript NM_024570.4 (MANE Select); coding-DNA position 614, A replaced by G.
Protein change: p.Glu205Gly; replaces glutamic acid 205 with glycine.
Molecular consequence: missense variant.
Genome position (GRCh38, 1-based): chr13:50,945,530, A>G. VCF-style: chr13-50945530-A-G. GRCh37 (hg19) VCF-style: chr13-51519666-A-G.
Other names: c.614A>G, p.Glu205Gly (NM_001142279.2); short protein forms E205G.
Identifiers: ClinVar variation 1480028 (VCV001480028.5), dbSNP rs1015708068, ClinGen allele CA249998225.

ClinVar aggregate classification (germline): Uncertain significance (1 of 4 stars; one submission).

Conditions:
Aicardi-Goutieres syndrome 2. Identifiers: Orphanet 51, MedGen C3489724, MONDO:0012429, OMIM 610181.

Allele frequency attached by ClinVar (database versions not stated): gnomAD 0.00001; gnomAD exomes 0.00001 and 0.00004; TOPMed 0.00002.
gnomAD v4.1: 52 of 1,601,170 alleles (0.0032%); highest among the groups gnomAD compares: Non-Finnish European, 0.0041%; no homozygotes.

Submission:

Labcorp Genetics (formerly Invitae), Labcorp
Classification: Uncertain significance for Aicardi-Goutieres syndrome 2. Last evaluated: 2022-10-24. Review status: criteria provided, single submitter. Criteria: Invitae Variant Classification Sherloc (09022015). Collection method: clinical testing. Allele origin: germline.
Comment: This sequence change replaces glutamic acid, which is acidic and polar, with glycine, which is neutral and non-polar, at codon 205 of the RNASEH2B protein (p.Glu205Gly). This variant is present in population databases (no rsID available, gnomAD 0.007%). This variant has not been reported in the literature in individuals affected with RNASEH2B-related conditions. ClinVar contains an entry for this variant (Variation ID: 1480028). Algorithms developed to predict the effect of missense changes on protein structure and function are either unavailable or do not agree on the potential impact of this missense change (SIFT: "Deleterious"; PolyPhen-2: "Benign"; Align-GVGD: "Class C0"). In summary, the available evidence is currently insufficient to determine the role of this variant in disease. Therefore, it has been classified as a Variant of Uncertain Significance.